The following is an entry in ClinVar:

NM_015057.5(MYCBP2):c.7989C>T (p.Gly2663=)

Gene: MYCBP2 (MYC binding protein 2; minus strand). Cytogenetic location: 13q22.3.
Variant type: single nucleotide variant.
Coding change: c.7989C>T on transcript NM_015057.5 (MANE Select); coding-DNA position 7989, C replaced by T.
Protein change: p.Gly2663=; no amino-acid change (glycine 2663 retained).
Molecular consequence: synonymous variant.
Genome position (GRCh38, 1-based): chr13:77,125,364, G>A on the plus strand (C>T on the coding strand, the complement: MYCBP2 is on the minus strand). VCF-style: chr13-77125364-G-A. GRCh37 (hg19) VCF-style: chr13-77699499-G-A.
Other names: NC_000013.10:g.77699499G>A.
Identifiers: ClinVar variation 623828 (VCV000623828.44), dbSNP rs147976490, ClinGen allele CA7008840.
Genomic context (GRCh38, chr13:77,125,364, plus strand): 5'-TTGGAATAAATCACAAATTTAAGCCAACTTGCCATCTTCATGTCGGAGGTACTGGTTTCC[G>A]CCTCTGTCTCTAGCTAAGGACCATGCCTCTCCTTCATCACTCTCACAGAACTCTACCATG-3'
Protein context (NP_055872.4, residues 2653-2673): GEAWSLARDR[Gly2663=]GNQYLRHEDE

ClinVar aggregate classification (germline): Likely benign (1 of 4 stars; one submission).

Allele frequency attached by ClinVar (database versions not stated): gnomAD 0.00003; ExAC 0.00010; TOPMed 0.00010; gnomAD exomes 0.00014; 1000 Genomes Project 30x 0.00016; 1000 Genomes Project 0.00020; ESP Exome Variant Server 0.00031.
gnomAD v4.1: 130 of 1,613,806 alleles (0.0081%); highest among the groups gnomAD compares: Middle Eastern, 0.033%; no homozygotes.

Submissions (2):

CeGaT Center for Human Genetics Tuebingen
Classification: Likely benign. Last evaluated: 2026-06-01. Review status: criteria provided, single submitter. Criteria: CeGaT Center For Human Genetics Tuebingen Variant Classification Criteria Version 2. Collection method: clinical testing. Allele origin: germline. Affected: yes. Observed: 4 variant alleles.
Comment: MYCBP2: BP4

Dr. Peter K. Rogan Lab, Western University
No classification provided (evidence only). Condition: Lung cancer. Review status: no classification provided. Collection method: in vitro. Allele origin: not applicable. Functional consequence: retained intron. Not counted in ClinVar's aggregate classification.